The following is an entry in ClinVar:

ClinVar aggregate classification (germline): Conflicting classifications of pathogenicity. Review status: criteria provided, conflicting classifications (1 of 4 stars). 5 submissions from 5 submitters: Uncertain significance (4); Likely benign (1). Last evaluated 2024-06-03.

Conditions:
Hereditary breast ovarian cancer syndrome. Also called: Hereditary breast and ovarian cancer syndrome (HBOC); Hereditary breast and/or ovarian cancer syndrome; Hereditary breast and ovarian cancer; BRCA1- and BRCA2-Associated Hereditary Breast and Ovarian Cancer; Hereditary breast and ovarian cancer syndrome; Breast and ovarian cancer. Identifiers: Orphanet 145, MedGen C0677776, MeSH D061325, MONDO:0003582. Disease mechanism: loss of function.
Breast-ovarian cancer, familial, susceptibility to, 1 (BROVCA1). Also called: BRCA1 Hereditary Breast and Ovarian Cancer; OVARIAN CANCER, SUSCEPTIBILITY TO. Identifiers: Orphanet 145, MedGen C2676676, MONDO:0011450, OMIM 604370. Disease mechanism: loss of function.
Hereditary cancer-predisposing syndrome. Also called: Hereditary neoplastic syndrome; Tumor predisposition; Neoplastic Syndromes, Hereditary; Hereditary Cancer Syndrome. Identifiers: Orphanet 140162, MedGen C0027672, MeSH D009386, MONDO:0015356.

Allele frequency attached by ClinVar (database versions not stated): gnomAD exomes below 0.00001.
gnomAD v4.1: 1 of 1,614,170 alleles (0.000062%); highest among the groups gnomAD compares: Non-Finnish European, 0.000085%; no homozygotes.

Submissions (5):

Labcorp Genetics (formerly Invitae), Labcorp
Classification: Uncertain significance for Hereditary breast ovarian cancer syndrome. Last evaluated: 2024-06-03. Review status: criteria provided, single submitter. Criteria: Invitae Variant Classification Sherloc (09022015). Collection method: clinical testing. Allele origin: germline.
Comment: This sequence change replaces leucine, which is neutral and non-polar, with valine, which is neutral and non-polar, at codon 1230 of the BRCA1 protein (p.Leu1230Val). This variant is present in population databases (no rsID available, gnomAD 0.0009%). This variant has not been reported in the literature in individuals affected with BRCA1-related conditions. ClinVar contains an entry for this variant (Variation ID: 890889). Advanced modeling of protein sequence and biophysical properties (such as structural, functional, and spatial information, amino acid conservation, physicochemical variation, residue mobility, and thermodynamic stability) performed at Invitae indicates that this missense variant is not expected to disrupt BRCA1 protein function with a negative predictive value of 95%. In summary, the available evidence is currently insufficient to determine the role of this variant in disease. Therefore, it has been classified as a Variant of Uncertain Significance.

University of Washington Department of Laboratory Medicine, University of Washington
Classification: Likely benign for Hereditary cancer-predisposing syndrome. Last evaluated: 2023-03-23. Review status: criteria provided, single submitter. Criteria: Dines et al. (Genet Med. 2020). Collection method: curation. Allele origin: germline.
Comment: Missense variant in a coldspot region where missense variants are very unlikely to be pathogenic (PMID:31911673).

BRCA1 coldspot (exon 11 using historical exon numbering). Reclassification based on statistical prior probability

All of Us Research Program, National Institutes of Health
Classification: Uncertain significance for Breast-ovarian cancer, familial, susceptibility to, 1. Last evaluated: 2023-03-04. Review status: criteria provided, single submitter. Criteria: ACMG Guidelines, 2015. Collection method: clinical testing. Allele origin: germline. Inheritance: Autosomal dominant inheritance. Observed: 1 variant allele, 1 heterozygote.
Comment: This study involves interpretation of variants in research participants for the purpose of population health screening. Participant phenotype was not available at the time of variant classification. Additional details can be found in publication PMID: 35346344, PMCID: PMC8962531

Ambry Genetics
Classification: Uncertain significance for Hereditary cancer-predisposing syndrome. Last evaluated: 2020-12-01. Review status: criteria provided, single submitter. Criteria: Ambry Variant Classification Scheme 2023. Collection method: clinical testing. Allele origin: germline.
Comment: The p.L1230V variant (also known as c.3688T>G), located in coding exon 9 of the BRCA1 gene, results from a T to G substitution at nucleotide position 3688. The leucine at codon 1230 is replaced by valine, an amino acid with highly similar properties. This amino acid position is well conserved in available vertebrate species. In addition, the in silico prediction for this alteration is inconclusive. Since supporting evidence is limited at this time, the clinical significance of this alteration remains unclear.

Illumina Laboratory Services, Illumina
Classification: Uncertain significance for Breast-ovarian cancer, familial, susceptibility to, 1. Last evaluated: 2018-01-12. Review status: criteria provided, single submitter. Criteria: ICSL Variant Classification Criteria 13 December 2019. Collection method: clinical testing. Allele origin: germline.

NM_007294.4(BRCA1):c.3688T>G (p.Leu1230Val)

Genes: BRCA1 (BRCA1 DNA repair associated; minus strand), LOC126862571 (BRD4-independent group 4 enhancer GRCh37_chr17:41243136-41244335; plus strand). Cytogenetic location: 17q21.31.
Variant type: single nucleotide variant.
Coding change: c.3688T>G on transcript NM_007294.4 (MANE Select); coding-DNA position 3688, T replaced by G.
Protein change: p.Leu1230Val; replaces leucine 1230 with valine.
Molecular consequence: missense variant. On other transcripts: intron variant (135).
Genome position (GRCh38, 1-based): chr17:43,091,843, A>C on the plus strand (T>G on the coding strand, the complement: BRCA1 is on the minus strand). VCF-style: chr17-43091843-A-C. GRCh37 (hg19) VCF-style: chr17-41243860-A-C.
Other names: c.3562T>G, p.Leu1188Val (NM_001407941.1, NM_001407649.1, NM_001407670.1 and 11 more transcripts); c.3547T>G, p.Leu1183Val (NM_001407942.1, NM_001407944.1, NM_001407945.1 and 29 more transcripts); c.3544T>G, p.Leu1182Val (NM_001407943.1, NM_001407964.1, NM_001407740.1 and 20 more transcripts); c.3355T>G, p.Leu1119Val (NM_001407946.1, NM_001407947.1, NM_001407948.1 and 6 more transcripts); c.3352T>G, p.Leu1118Val (NM_001407954.1, NM_001407955.1, NM_001407956.1 and 1 more transcripts); c.3307T>G, p.Leu1103Val (NM_001407959.1, NM_001407960.1, NM_001407963.1); c.3304T>G, p.Leu1102Val (NM_001407962.1); c.3184T>G, p.Leu1062Val (NM_001407965.1); and 41 more; short protein forms L1230V, L1183V, L1062V, L1141V, L1160V, L1163V, L1182V, L1103V.
Identifiers: ClinVar variation 890889 (VCV000890889.15), dbSNP rs786201581, ClinGen allele CA10594587.